The following is an entry in ClinVar:

NM_014712.3(SETD1A):c.2987C>A (p.Thr996Asn)

Gene: SETD1A (SET domain containing 1A, histone lysine methyltransferase; plus strand). Cytogenetic location: 16p11.2.
Variant type: single nucleotide variant.
Coding change: c.2987C>A on transcript NM_014712.3 (MANE Select); coding-DNA position 2987, C replaced by A.
Protein change: p.Thr996Asn; replaces threonine 996 with asparagine.
Molecular consequence: missense variant.
Genome position (GRCh38, 1-based): chr16:30,969,660, C>A. VCF-style: chr16-30969660-C-A. GRCh37 (hg19) VCF-style: chr16-30980981-C-A.
Other names: c.2987C>A (NM_014712.2); short protein forms T996N.
Identifiers: ClinVar variation 4163102 (VCV004163102.2).

ClinVar aggregate classification (germline): Likely benign. Review status: criteria provided, multiple submitters, no conflicts (2 of 4 stars). 2 submissions from 2 submitters: Likely benign (2). Last evaluated 2025-08-02.

Conditions:
Inborn genetic diseases. Identifiers: MedGen C0950123, MeSH D030342.
SETD1A-related disorder. Also called: SETD1A-related condition.

gnomAD v4.1: 68 of 1,613,984 alleles (0.0042%); highest among the groups gnomAD compares: Non-Finnish European, 0.0053%; no homozygotes.

Submissions (2):

Ambry Genetics
Classification: Likely benign for Inborn genetic diseases. Last evaluated: 2025-08-02. Review status: criteria provided, single submitter. Criteria: Ambry Variant Classification Scheme 2023. Collection method: clinical testing. Allele origin: germline.

PreventionGenetics, part of Exact Sciences
Classification: Likely benign for SETD1A-related condition. Last evaluated: 2025-01-06. Review status: criteria provided, single submitter. Criteria: ACMG Guidelines, 2015. Collection method: clinical testing. Allele origin: germline.
Comment: This variant is classified as likely benign based on ACMG/AMP sequence variant interpretation guidelines (Richards et al. 2015 PMID: 25741868, with internal and published modifications).